The following is an entry in ClinVar:

NM_002076.4(GNS):c.654C>A (p.Tyr218Ter)

Gene: GNS (glucosamine (N-acetyl)-6-sulfatase; minus strand). Cytogenetic location: 12q14.3.
Variant type: single nucleotide variant.
Coding change: c.654C>A on transcript NM_002076.4 (MANE Select); coding-DNA position 654, C replaced by A.
Protein change: p.Tyr218Ter; replaces tyrosine 218 with a stop codon.
Molecular consequence: nonsense.
Genome position (GRCh38, 1-based): chr12:64,743,279, G>T on the plus strand (C>A on the coding strand, the complement: GNS is on the minus strand). VCF-style: chr12-64743279-G-T. GRCh37 (hg19) VCF-style: chr12-65137059-G-T.
Other names: short protein forms Y218*.
Identifiers: ClinVar variation 1453303 (VCV001453303.6), dbSNP rs2136247644, ClinGen allele CA385609260.

ClinVar aggregate classification (germline): Pathogenic (1 of 4 stars; one submission).

Conditions:
Mucopolysaccharidosis, MPS-III-D (MPS3D). Also called: N-ACETYLGLUCOSAMINE-6-SULFATASE DEFICIENCY; SANFILIPPO SYNDROME D; MPS III D; Mucopoly-saccharidosis type 3D; N-acetylglucosamine-6-sulfate sulfatase deficiency; MPS 3D. Identifiers: Orphanet 581, Orphanet 79272, MedGen C0086650, MONDO:0009658, OMIM 252940.

Submission:

Labcorp Genetics (formerly Invitae), Labcorp
Classification: Pathogenic for Mucopolysaccharidosis, MPS-III-D. Last evaluated: 2021-05-02. Review status: criteria provided, single submitter. Criteria: Invitae Variant Classification Sherloc (09022015). Collection method: clinical testing. Allele origin: germline.
Comment: For these reasons, this variant has been classified as Pathogenic. This variant has not been reported in the literature in individuals with GNS-related conditions. This variant is not present in population databases (ExAC no frequency). This sequence change creates a premature translational stop signal (p.Tyr218*) in the GNS gene. It is expected to result in an absent or disrupted protein product. Loss-of-function variants in GNS are known to be pathogenic (PMID: 20232353).

Literature cited by the submitters: PubMed 20232353.